The following is an entry in ClinVar:

ClinVar aggregate classification (germline): Pathogenic (1 of 4 stars; one submission).

Conditions:
Hereditary cancer-predisposing syndrome. Also called: Tumor predisposition; Hereditary Cancer Syndrome; Neoplastic Syndromes, Hereditary; Hereditary neoplastic syndrome. Identifiers: Orphanet 140162, MedGen C0027672, MeSH D009386, MONDO:0015356.

Submission:

Ambry Genetics
Classification: Pathogenic for Hereditary cancer-predisposing syndrome. Last evaluated: 2020-03-24. Review status: criteria provided, single submitter. Criteria: Ambry Variant Classification Scheme 2023. Collection method: clinical testing. Allele origin: germline.
Comment: The c.2534dupC pathogenic mutation, located in coding exon 10 of the BRCA2 gene, results from a duplication of C at nucleotide position 2534, causing a translational frameshift with a predicted alternate stop codon (p.S846Ffs*35). This alteration is expected to result in loss of function by premature protein truncation or nonsense-mediated mRNA decay. As such, this alteration is interpreted as a disease-causing mutation.

NM_000059.4(BRCA2):c.2534dup (p.Ser846fs)

Gene: BRCA2 (BRCA2 DNA repair associated; plus strand). Cytogenetic location: 13q13.1.
Variant type: Duplication.
Coding change: c.2534dup on transcript NM_000059.4 (MANE Select); coding-DNA position 2534, one base duplicated (C; older notation c.2534dupC).
Protein change: p.Ser846fs; shifts the reading frame from serine 846.
Molecular consequence: frameshift variant.
Genome position (GRCh38, 1-based): chr13:32,336,889, C duplicated; the last of 2 consecutive C bases (chr13:32,336,888-32,336,889); duplicating either gives the same sequence. VCF-style (leftmost placement, unchanged base first): chr13-32336887-A-AC. GRCh37 (hg19) VCF-style: chr13-32911024-A-AC.
Other names: c.2534dup, p.Ser846Phefs (NM_001406719.1, NM_001406720.1); c.2534dupC (NM_000059.3); short protein forms S846fs.
Identifiers: ClinVar variation 1792739 (VCV001792739.2), dbSNP rs2548524207, ClinGen allele CA2580087279.